The following is an entry in ClinVar:

NM_000153.4(GALC):c.*1453A>G

Gene: GALC (galactosylceramidase; minus strand). Cytogenetic location: 14q31.3.
Variant type: single nucleotide variant.
Coding change: c.*1453A>G on transcript NM_000153.4 (MANE Select); 1453 bases downstream of the stop codon, A replaced by G.
Molecular consequence: 3 prime UTR variant.
Genome position (GRCh38, 1-based): chr14:87,933,279, T>C on the plus strand (A>G on the coding strand, the complement: GALC is on the minus strand). VCF-style: chr14-87933279-T-C. GRCh37 (hg19) VCF-style: chr14-88399623-T-C.
Other names: c.*1453A>G (NM_001201401.2, NM_001201402.2).
Identifiers: ClinVar variation 314729 (VCV000314729.6), dbSNP rs405567, ClinGen allele CA10645173.
Genomic context (GRCh38, chr14:87,933,279, plus strand): 5'-TTCTGGAACAAAGAAAACTAACCTATAGTGATAGAATTCCTATCAATGGCTGCCAACAAT[T>C]GGGAGTGAAAGGAACTGACTGAGCAGGTATACAAGAGAACCTTCTGGGGTGATGGAAATA-3'

ClinVar aggregate classification (germline): Benign. Review status: criteria provided, multiple submitters, no conflicts (2 of 4 stars). 2 submissions from 2 submitters: Benign (2). Last evaluated 2018-01-13.

Conditions:
Galactosylceramide beta-galactosidase deficiency. Also called: GALACTOCEREBROSIDASE DEFICIENCY; GALC DEFICIENCY; GLOBOID CELL LEUKOENCEPHALOPATHY; Leukodystrophy, Globoid Cell; Krabbe Disease. Identifiers: Orphanet 487, MedGen C0023521, MONDO:0009499, OMIM 245200.

Allele frequency attached by ClinVar (database versions not stated): 1000 Genomes Project 0.44788; 1000 Genomes Project 30x 0.45269; TOPMed 0.48888; gnomAD 0.49274 and 0.49973; gnomAD exomes 0.54091.
gnomAD v4.1: 75,065 of 152,306 alleles (49%); highest among the groups gnomAD compares: African/African-American, 60%; 19,176 homozygotes.

Submissions (2):

Illumina Laboratory Services, Illumina
Classification: Benign for Galactosylceramide beta-galactosidase deficiency. Last evaluated: 2018-01-13. Review status: criteria provided, single submitter. Criteria: ICSL Variant Classification Criteria 13 December 2019. Collection method: clinical testing. Allele origin: germline.
Comment: This variant was observed in the ICSL laboratory as part of a predisposition screen in an ostensibly healthy population. It had not been previously curated by ICSL or reported in the Human Gene Mutation Database (HGMD: prior to June 1st, 2018), and was therefore a candidate for classification through an automated scoring system. Utilizing variant allele frequency, disease prevalence and penetrance estimates, and inheritance mode, an automated score was calculated to assess if this variant is too frequent to cause the disease. Based on the score and internal cut-off values, a variant classified as benign is not then subjected to further curation. The score for this variant resulted in a classification of benign for this disease.

Breakthrough Genomics
Classification: Benign. Review status: criteria provided, single submitter. Criteria: ACMG Guidelines, 2015. Collection method: not provided. Allele origin: germline. Inheritance: Autosomal recessive inheritance. Affected: yes.